The following is an entry in ClinVar:

NM_016616.5(NME8):c.1601G>A (p.Arg534Gln)

Gene: NME8 (NME/NM23 family member 8; plus strand). Cytogenetic location: 7p14.1.
Variant type: single nucleotide variant.
Coding change: c.1601G>A on transcript NM_016616.5 (MANE Select); coding-DNA position 1601, G replaced by A.
Protein change: p.Arg534Gln; replaces arginine 534 with glutamine.
Molecular consequence: missense variant.
Genome position (GRCh38, 1-based): chr7:37,896,926, G>A. VCF-style: chr7-37896926-G-A. GRCh37 (hg19) VCF-style: chr7-37936528-G-A.
Other names: short protein forms R534Q.
Identifiers: ClinVar variation 567497 (VCV000567497.10), dbSNP rs186068152, ClinGen allele CA4222579.

ClinVar aggregate classification (germline): Uncertain significance. Review status: criteria provided, multiple submitters, no conflicts (2 of 4 stars). 2 submissions from 2 submitters: Uncertain significance (2). Last evaluated 2024-06-07.

Conditions:
Primary ciliary dyskinesia. Also called: Ciliary dyskinesia. Identifiers: Orphanet 244, MedGen C0008780, MONDO:0016575, HP:0012265.
Primary ciliary dyskinesia 6. Also called: Primary Ciliary Dyskinesia 6: TXNDC3-Related Primary Ciliary Dyskinesia. Identifiers: Orphanet 244, MedGen C1970506, MONDO:0012571, OMIM 610852.

Allele frequency attached by ClinVar (database versions not stated): gnomAD 0.00001; TOPMed 0.00002; ExAC 0.00004; 1000 Genomes Project 30x 0.00016; 1000 Genomes Project 0.00020.
gnomAD v4.1: 16 of 1,613,850 alleles (0.00099%); highest among the groups gnomAD compares: South Asian, 0.0066%; no homozygotes.

Submissions (2):

Ambry Genetics
Classification: Uncertain significance for Primary ciliary dyskinesia. Last evaluated: 2024-06-07. Review status: criteria provided, single submitter. Criteria: Ambry Variant Classification Scheme 2023. Collection method: clinical testing. Allele origin: germline.

Labcorp Genetics (formerly Invitae), Labcorp
Classification: Uncertain significance for Primary ciliary dyskinesia 6. Last evaluated: 2018-04-24. Review status: criteria provided, single submitter. Criteria: Invitae Variant Classification Sherloc (09022015). Collection method: clinical testing. Allele origin: germline.
Comment: In summary, the available evidence is currently insufficient to determine the role of this variant in disease. Therefore, it has been classified as a Variant of Uncertain Significance. Algorithms developed to predict the effect of missense changes on protein structure and function do not agree on the potential impact of this missense change (SIFT: "Deleterious"; PolyPhen-2: "Benign"; Align-GVGD: "Class C0"). This variant has not been reported in the literature in individuals with NME8-related disease. This variant is present in population databases (rs186068152, ExAC 0.02%). This sequence change replaces arginine with glutamine at codon 534 of the NME8 protein (p.Arg534Gln). The arginine residue is moderately conserved and there is a small physicochemical difference between arginine and glutamine.